The following is an entry in ClinVar:

NM_001042432.2(CLN3):c.549G>A (p.Trp183Ter)

Gene: CLN3 (CLN3 lysosomal/endosomal transmembrane protein, battenin; minus strand). Cytogenetic location: 16p12.1.
Variant type: single nucleotide variant.
Coding change: c.549G>A on transcript NM_001042432.2 (MANE Select); coding-DNA position 549, G replaced by A.
Protein change: p.Trp183Ter; replaces tryptophan 183 with a stop codon.
Molecular consequence: nonsense.
Genome position (GRCh38, 1-based): chr16:28,486,475, C>T on the plus strand (G>A on the coding strand, the complement: CLN3 is on the minus strand). VCF-style: chr16-28486475-C-T. GRCh37 (hg19) VCF-style: chr16-28497796-C-T.
Other names: c.315G>A, p.Trp105Ter (NM_001286109.2); c.387G>A, p.Trp129Ter (NM_001286110.2); c.549G>A, p.Trp183Ter (NM_000086.2); c.477G>A, p.Trp159Ter (NM_001286104.2); c.249G>A, p.Trp83Ter (NM_001286105.2); short protein forms W105*, W129*, W159*, W183*, W83*.
Identifiers: ClinVar variation 4064836 (VCV004064836.2).

ClinVar aggregate classification (germline): Likely pathogenic (1 of 4 stars; one submission).

Conditions:
Juvenile neuronal ceroid lipofuscinosis. Also called: Batten Disease. Identifiers: Orphanet 79264, MedGen CN293564, MONDO:0019262.

Submission:

Natera, Inc.
Classification: Likely pathogenic for Batten Disease. Last evaluated: 2025-01-09. Review status: criteria provided, single submitter. Criteria: Natera Variant Classification Schema (03/2026). Collection method: clinical testing. Allele origin: germline.
Comment: The c.549G>A variant in CLN3 is a nonsense variant predicted to introduce a stop codon at amino acid 183. This variant is expected to result in nonsense mediated decay, truncation, or a dysfunctional protein product. This variant is rare in the general population with a frequency below the threshold expected for the associated phenotype(s). Given the available evidence, this variant is classified as Likely Pathogenic.